The following is an entry in ClinVar:

NM_004385.5(VCAN):c.5963G>T (p.Gly1988Val)

Genes: VCAN (versican; plus strand), VCAN-AS1 (VCAN antisense RNA 1; minus strand). Cytogenetic location: 5q14.3.
Variant type: single nucleotide variant.
Coding change: c.5963G>T on transcript NM_004385.5 (MANE Select); coding-DNA position 5963, G replaced by T.
Protein change: p.Gly1988Val; replaces glycine 1988 with valine.
Molecular consequence: missense variant. On other transcripts: intron variant (2).
Genome position (GRCh38, 1-based): chr5:83,538,966, G>T. VCF-style: chr5-83538966-G-T. GRCh37 (hg19) VCF-style: chr5-82834785-G-T.
Other names: c.5963G>T (NM_004385.4); c.3002G>T, p.Gly1001Val (NM_001164097.2); c.4004-6571G>T (NM_001164098.2); c.1043-6571G>T (NM_001126336.3); short protein forms G1001V, G1988V.
Identifiers: ClinVar variation 1964351 (VCV001964351.7), dbSNP rs750054814, ClinGen allele CA3333400.
Genomic context (GRCh38, chr5:83,538,966, plus strand): 5'-AGACTTCACCATCTACAGTACCTACTTCAGTTCACATCAGTCACATATCTGACTCAGAAG[G>T]ACCCAGTAGCACCATGGTCAGCACTTCAGCCTTCCCCTGGGAAGAGTTTACATCCTCAGC-3'
Protein context (NP_004376.2, residues 1978-1998): VHISHISDSE[Gly1988Val]PSSTMVSTSA

ClinVar aggregate classification (germline): Uncertain significance. Review status: criteria provided, multiple submitters, no conflicts (2 of 4 stars). 3 submissions from 3 submitters: Uncertain significance (3). Last evaluated 2024-05-12.

Conditions:
VCAN-related disorder. Also called: VCAN-related condition.
Inborn genetic diseases. Identifiers: MedGen C0950123, MeSH D030342.

Allele frequency attached by ClinVar (database versions not stated): ExAC 0.00001.
gnomAD v4.1: 4 of 1,613,864 alleles (0.00025%); highest among the groups gnomAD compares: Admixed American, 0.0067%; no homozygotes.

Submissions (3):

Ambry Genetics
Classification: Uncertain significance for Inborn genetic diseases. Last evaluated: 2024-05-12. Review status: criteria provided, single submitter. Criteria: Ambry Variant Classification Scheme 2023. Collection method: clinical testing. Allele origin: germline.

Labcorp Genetics (formerly Invitae), Labcorp
Classification: Uncertain significance. Last evaluated: 2024-02-19. Review status: criteria provided, single submitter. Criteria: Invitae Variant Classification Sherloc (09022015). Collection method: clinical testing. Allele origin: germline.
Comment: This sequence change replaces glycine, which is neutral and non-polar, with valine, which is neutral and non-polar, at codon 1988 of the VCAN protein (p.Gly1988Val). This variant is present in population databases (rs750054814, gnomAD 0.006%). This variant has not been reported in the literature in individuals affected with VCAN-related conditions. ClinVar contains an entry for this variant (Variation ID: 1964351). An algorithm developed to predict the effect of missense changes on protein structure and function (PolyPhen-2) suggests that this variant is likely to be tolerated. In summary, the available evidence is currently insufficient to determine the role of this variant in disease. Therefore, it has been classified as a Variant of Uncertain Significance.

PreventionGenetics, part of Exact Sciences
Classification: Uncertain significance for VCAN-related condition. Last evaluated: 2022-11-17. Review status: criteria provided, single submitter. Criteria: ACMG Guidelines, 2015. Collection method: clinical testing. Allele origin: germline.
Comment: The VCAN c.5963G>T variant is predicted to result in the amino acid substitution p.Gly1988Val. To our knowledge, this variant has not been reported in the literature. This variant is reported in 0.0058% of alleles in individuals of Latino descent in gnomAD. At this time, the clinical significance of this variant is uncertain due to the absence of conclusive functional and genetic evidence.